The following is an entry in ClinVar:

NM_024649.5(BBS1):c.951+48C>G

Genes: BBS1 (Bardet-Biedl syndrome 1; plus strand), ZDHHC24 (zDHHC palmitoyltransferase 24; minus strand). Cytogenetic location: 11q13.2.
Variant type: single nucleotide variant.
Coding change: c.951+48C>G on transcript NM_024649.5 (MANE Select); 48 bases into the intron after coding-DNA position 951, C replaced by G.
Molecular consequence: intron variant.
Genome position (GRCh38, 1-based): chr11:66,523,624, C>G. VCF-style: chr11-66523624-C-G. GRCh37 (hg19) VCF-style: chr11-66291095-C-G.
Other names: c.*22-2158G>C (NM_001348571.2).
Identifiers: ClinVar variation 4984472 (VCV004984472.1).

ClinVar aggregate classification (germline): Likely benign (1 of 4 stars; one submission).

Conditions:
BBS1-related disorder. Also called: BBS1-related condition.

gnomAD v4.1: 16 of 1,613,118 alleles (0.00099%); highest among the groups gnomAD compares: Non-Finnish European, 0.0012%; no homozygotes.

Submission:

PreventionGenetics, part of Exact Sciences
Classification: Likely benign for BBS1-related condition. Last evaluated: 2025-01-30. Review status: criteria provided, single submitter. Criteria: ACMG Guidelines, 2015. Collection method: clinical testing. Allele origin: germline.
Comment: This variant is classified as likely benign based on ACMG/AMP sequence variant interpretation guidelines (Richards et al. 2015 PMID: 25741868, with internal and published modifications).